The following is an entry in ClinVar:

ClinVar aggregate classification (germline): Conflicting classifications of pathogenicity. Review status: criteria provided, conflicting classifications (1 of 4 stars). 5 submissions from 5 submitters: Uncertain significance (2); Likely benign (3). Last evaluated 2026-05-16.

Conditions:
PJVK-related disorder. Also called: PJVK-related condition.
Autosomal recessive nonsyndromic hearing loss 59. Identifiers: Orphanet 90636, MedGen C1857744, MONDO:0012445, OMIM 610220.

Allele frequency attached by ClinVar (database versions not stated): gnomAD exomes 0.00010 and 0.00024; ExAC 0.00035; 1000 Genomes Project 0.00060; ESP Exome Variant Server 0.00076; 1000 Genomes Project 30x 0.00078; gnomAD 0.00113 and 0.00124; TOPMed 0.00123.

Submissions (5):

PreventionGenetics, part of Exact Sciences
Classification: Likely benign for PJVK-related condition. Last evaluated: 2026-05-16. Review status: criteria provided, single submitter. Criteria: ACMG Guidelines, 2015. Collection method: clinical testing. Allele origin: germline.
Comment: This variant is classified as likely benign based on ACMG/AMP sequence variant interpretation guidelines (Richards et al. 2015 PMID: 25741868, with internal and published modifications).

Labcorp Genetics (formerly Invitae), Labcorp
Classification: Likely benign. Last evaluated: 2026-01-26. Review status: criteria provided, single submitter. Criteria: Invitae Variant Classification Sherloc (09022015). Collection method: clinical testing. Allele origin: germline.

GeneDx
Classification: Likely benign. Last evaluated: 2021-02-19. Review status: criteria provided, single submitter. Criteria: GeneDx Variant Classification Process June 2021. Collection method: clinical testing. Allele origin: germline. Affected: yes.
Comment: Has not been previously published as pathogenic or benign to our knowledge

Illumina Laboratory Services, Illumina
Classification: Uncertain significance for Autosomal recessive nonsyndromic hearing loss 59. Last evaluated: 2018-01-12. Review status: criteria provided, single submitter. Criteria: ICSL Variant Classification Criteria 13 December 2019. Collection method: clinical testing. Allele origin: germline.

Eurofins Ntd Llc (ga)
Classification: Uncertain significance. Last evaluated: 2016-09-07. Review status: criteria provided, single submitter. Criteria: EGL Classification Definitions 2015. Collection method: clinical testing. Allele origin: germline. Observed: 1 variant allele, 1 heterozygote.

NM_001042702.5(PJVK):c.250T>A (p.Ser84Thr)

Gene: PJVK (pejvakin; plus strand). Cytogenetic location: 2q31.2.
Variant type: single nucleotide variant.
Coding change: c.250T>A on transcript NM_001042702.5 (MANE Select); coding-DNA position 250, T replaced by A.
Protein change: p.Ser84Thr; replaces serine 84 with threonine.
Molecular consequence: missense variant. On other transcripts: 5 prime UTR variant (2).
Genome position (GRCh38, 1-based): chr2:178,454,370, T>A. VCF-style: chr2-178454370-T-A. GRCh37 (hg19) VCF-style: chr2-179319097-T-A.
Other names: c.259T>A, p.Ser87Thr (NM_001353775.2); c.355T>A, p.Ser119Thr (NM_001353776.2); c.-228T>A (NM_001353777.1, NM_001353778.2); c.250T>A, p.Ser84Thr (NM_001369912.1); short protein forms S84T, S87T, S119T.
Identifiers: ClinVar variation 290802 (VCV000290802.21), dbSNP rs200507933, ClinGen allele CA1984151.